The following is an entry in ClinVar:

NM_024598.4(USB1):c.99-2A>G

Gene: USB1 (U6 snRNA biogenesis phosphodiesterase 1; plus strand). Cytogenetic location: 16q21.
Variant type: single nucleotide variant.
Coding change: c.99-2A>G on transcript NM_024598.4 (MANE Select); the canonical splice acceptor site of the intron before coding-DNA position 99, A replaced by G.
Molecular consequence: splice acceptor variant.
Genome position (GRCh38, 1-based): chr16:58,002,477, A>G. VCF-style: chr16-58002477-A-G. GRCh37 (hg19) VCF-style: chr16-58036381-A-G.
Other names: c.-55-2A>G (NM_001330568.2); c.99-2A>G (NM_001195302.2, NM_001204911.2, NM_001330569.2).
Identifiers: ClinVar variation 1068250 (VCV001068250.7), dbSNP rs2142290923, ClinGen allele CA396085355.

ClinVar aggregate classification (germline): Likely pathogenic (1 of 4 stars; one submission).

Allele frequency attached by ClinVar (database versions not stated): gnomAD exomes below 0.00001.
gnomAD v4.1: 4 of 1,613,878 alleles (0.00025%); highest among the groups gnomAD compares: Non-Finnish European, 0.00034%; no homozygotes.

Submission:

Labcorp Genetics (formerly Invitae), Labcorp
Classification: Likely pathogenic. Last evaluated: 2023-07-03. Review status: criteria provided, single submitter. Criteria: Invitae Variant Classification Sherloc (09022015). Collection method: clinical testing. Allele origin: germline.
Comment: This sequence change affects an acceptor splice site in intron 1 of the USB1 gene. It is expected to disrupt RNA splicing. Variants that disrupt the donor or acceptor splice site typically lead to a loss of protein function (PMID: 16199547), and loss-of-function variants in USB1 are known to be pathogenic (PMID: 20817924, 25044170). This variant is not present in population databases (gnomAD no frequency). This variant has not been reported in the literature in individuals affected with USB1-related conditions. ClinVar contains an entry for this variant (Variation ID: 1068250). Algorithms developed to predict the effect of sequence changes on RNA splicing suggest that this variant may disrupt the consensus splice site. In summary, the currently available evidence indicates that the variant is pathogenic, but additional data are needed to prove that conclusively. Therefore, this variant has been classified as Likely Pathogenic.

Literature cited by the submitters: PubMed 16199547; PubMed 20817924; PubMed 25044170.